The following is an entry in ClinVar:

ClinVar aggregate classification (germline): Pathogenic (1 of 4 stars; one submission).

Conditions:
Intellectual disability-facial dysmorphism syndrome due to SETD5 haploinsufficiency (MRD23). Also called: Intellectual developmental disorder, autosomal dominant 23. Identifiers: Orphanet 404440, MedGen C3810406, MONDO:0014336, OMIM 615761.

Submission:

Victorian Clinical Genetics Services, Murdoch Childrens Research Institute
Classification: Pathogenic for Intellectual disability-facial dysmorphism syndrome due to SETD5 haploinsufficiency. Last evaluated: 2020-05-25. Review status: criteria provided, single submitter. Criteria: ACMG Guidelines, 2015. Collection method: clinical testing. Allele origin: germline. Inheritance: Autosomal dominant inheritance. Affected: yes.
Comment: Based on the classification scheme VCGS_Germline_v1.1.1, this variant is classified as Pathogenic. Following criteria are met: 0102 - Loss-of-function is a known mechanism of disease for this gene. (N) 0107 - This gene is known to be associated with autosomal dominant disease. (N) 0112 - Variants in this gene are known to have reduced penetrance (PMID: 28881385). (N) 0201 - Variant is predicted to cause nonsense-mediated decay (NMD) and loss of protein (exon 8 of 23). (P) 0251 - Variant is heterozygous. (N) 0301 - Variant is absent from gnomAD. (P) 0701 - Comparable NMD-predicted variants have very strong previous evidence for pathogenicity. (Clinvar, PMID: 29484850) (P) 0807 - Variant has not previously been reported in a clinical context. (N) 0905 - No segregation evidence has been identified for this variant. (N) 1007 - No published functional evidence has been identified for this variant. (N) 1102 - Strong phenotype match. (P) 1208 - Inheritance information for this variant is not currently available. (N) Legend: (P) - Pathogenic, (N) - Neutral, (B) - Benign

Literature cited by the submitters: PubMed 28881385; PubMed 29484850.

NM_001080517.3(SETD5):c.588_591del (p.Gln196fs)

Gene: SETD5 (SET domain containing 5; plus strand). Cytogenetic location: 3p25.3.
Variant type: Deletion.
Coding change: c.588_591del on transcript NM_001080517.3 (MANE Select); coding-DNA positions 588 to 591, 4 bases deleted (GAAT; older notation c.588_591delGAAT).
Protein change: p.Gln196fs; shifts the reading frame from glutamine 196.
Molecular consequence: frameshift variant.
Genome position (GRCh38, 1-based): chr3:9,440,476-9,440,479, GAAT deleted. VCF-style (leftmost placement, unchanged base first): chr3-9440475-AGAAT-A. GRCh37 (hg19) VCF-style: chr3-9482159-AGAAT-A.
Other names: c.294_297del, p.Gln98fs (NM_001292043.2, NM_001349451.2); short protein forms Q196fs, Q98fs.
Identifiers: ClinVar variation 1805789 (VCV001805789.1), dbSNP rs2472656290, ClinGen allele CA923726139.